The following is an entry in ClinVar:

ClinVar aggregate classification (germline): Uncertain significance. Review status: criteria provided, multiple submitters, no conflicts (2 of 4 stars). 2 submissions from 2 submitters: Uncertain significance (2). Last evaluated 2024-05-15.

Conditions:
Severe achondroplasia-developmental delay-acanthosis nigricans syndrome. Also called: Severe achondroplasia with developmental delay and acanthosis nigricans; SADDAN dysplasia. Identifiers: Orphanet 85165, MedGen C2674173, MONDO:0014658, OMIM 616482.

Allele frequency attached by ClinVar (database versions not stated): gnomAD exomes below 0.00001; ExAC 0.00001; gnomAD 0.00001; TOPMed 0.00002.
gnomAD v4.1: 6 of 1,612,752 alleles (0.00037%); highest among the groups gnomAD compares: African/African-American, 0.0027%; no homozygotes.

Submissions (2):

Labcorp Genetics (formerly Invitae), Labcorp
Classification: Uncertain significance. Last evaluated: 2024-05-15. Review status: criteria provided, single submitter. Criteria: Invitae Variant Classification Sherloc (09022015). Collection method: clinical testing. Allele origin: germline.
Comment: This sequence change replaces lysine, which is basic and polar, with glutamic acid, which is acidic and polar, at codon 404 of the FGFR3 protein (p.Lys404Glu). This variant is present in population databases (rs780415133, gnomAD 0.008%). This variant has not been reported in the literature in individuals affected with FGFR3-related conditions. ClinVar contains an entry for this variant (Variation ID: 1172560). Advanced modeling of protein sequence and biophysical properties (such as structural, functional, and spatial information, amino acid conservation, physicochemical variation, residue mobility, and thermodynamic stability) has been performed at Invitae for this missense variant, however the output from this modeling did not meet the statistical confidence thresholds required to predict the impact of this variant on FGFR3 protein function. In summary, the available evidence is currently insufficient to determine the role of this variant in disease. Therefore, it has been classified as a Variant of Uncertain Significance.

HudsonAlpha Institute for Biotechnology
Classification: Uncertain significance for Severe achondroplasia-developmental delay-acanthosis nigricans syndrome. Last evaluated: 2021-05-26. Review status: criteria provided, single submitter. Criteria: ACMG Guidelines, 2015. Collection method: research. Allele origin: unknown. Observed: 1 variant allele. Study: CSER-SouthSeq.
Comment: ACMG codes:PP3

NM_000142.5(FGFR3):c.1210A>G (p.Lys404Glu)

Gene: FGFR3 (fibroblast growth factor receptor 3; plus strand). Cytogenetic location: 4p16.3.
Variant type: single nucleotide variant.
Coding change: c.1210A>G on transcript NM_000142.5 (MANE Select); coding-DNA position 1210, A replaced by G.
Protein change: p.Lys404Glu; replaces lysine 404 with glutamic acid.
Molecular consequence: missense variant. On other transcripts: non-coding transcript variant (1), intron variant (1).
Genome position (GRCh38, 1-based): chr4:1,804,464, A>G. VCF-style: chr4-1804464-A-G. GRCh37 (hg19) VCF-style: chr4-1806191-A-G.
Other names: c.1216A>G, p.Lys406Glu (NM_001163213.2); c.1210A>G, p.Lys404Glu (NM_001354809.2, NM_001354810.2); c.931-360A>G (NM_022965.4); short protein forms K404E, K406E.
Identifiers: ClinVar variation 1172560 (VCV001172560.9), dbSNP rs780415133, ClinGen allele CA2810302.
Genomic context (GRCh38, chr4:1,804,464, plus strand): 5'-TTCCTGTTCATCCTGGTGGTGGCGGCTGTGACGCTCTGCCGCCTGCGCAGCCCCCCCAAG[A>G]AAGGCCTGGGCTCCCCCACCGTGCACAAGATCTCCCGCTTCCCGCTCAAGCGACAGGTAA-3'
Protein context (NP_000133.1, residues 394-414): TLCRLRSPPK[Lys404Glu]GLGSPTVHKI